The following is an entry in ClinVar:

NM_013352.4(DSE):c.611A>G (p.Asn204Ser)

Gene: DSE (dermatan sulfate epimerase; plus strand). Cytogenetic location: 6q22.1.
Variant type: single nucleotide variant.
Coding change: c.611A>G on transcript NM_013352.4 (MANE Select); coding-DNA position 611, A replaced by G.
Protein change: p.Asn204Ser; replaces asparagine 204 with serine.
Molecular consequence: missense variant. On other transcripts: 5 prime UTR variant (1), synonymous variant (1), non-coding transcript variant (1).
Genome position (GRCh38, 1-based): chr6:116,426,768, A>G. VCF-style: chr6-116426768-A-G. GRCh37 (hg19) VCF-style: chr6-116747931-A-G.
Other names: c.611A>G, p.Asn204Ser (NM_001322943.2, NM_001322944.2, NM_001374522.1 and 3 more transcripts); c.-290A>G (NM_001374520.1); c.24A>G, p.Gln8= (NM_001374521.1); c.668A>G, p.Asn223Ser (NM_001322939.2); c.50A>G, p.Asn17Ser (NM_001322940.2, NM_001322941.2); short protein forms N204S, N17S, N223S.
Identifiers: ClinVar variation 1365928 (VCV001365928.8), dbSNP rs2115065124, ClinGen allele CA365389715.

ClinVar aggregate classification (germline): Uncertain significance (1 of 4 stars; one submission).

Conditions:
Ehlers-Danlos syndrome, musculocontractural type 2 (EDSMC2). Identifiers: Orphanet 2953, MedGen C3809845, MONDO:0014236, OMIM 615539.

Submission:

Labcorp Genetics (formerly Invitae), Labcorp
Classification: Uncertain significance for Ehlers-Danlos syndrome, musculocontractural type 2. Last evaluated: 2022-07-12. Review status: criteria provided, single submitter. Criteria: Invitae Variant Classification Sherloc (09022015). Collection method: clinical testing. Allele origin: germline.
Comment: This sequence change replaces asparagine with serine at codon 204 of the DSE protein (p.Asn204Ser). The asparagine residue is highly conserved and there is a small physicochemical difference between asparagine and serine. This variant is not present in population databases (gnomAD no frequency). This variant has not been reported in the literature in individuals affected with DSE-related conditions. ClinVar contains an entry for this variant (Variation ID: 1365928). Algorithms developed to predict the effect of missense changes on protein structure and function are either unavailable or do not agree on the potential impact of this missense change (SIFT: "Not Available"; PolyPhen-2: "Probably Damaging"; Align-GVGD: "Not Available"). In summary, the available evidence is currently insufficient to determine the role of this variant in disease. Therefore, it has been classified as a Variant of Uncertain Significance.